The following is an entry in ClinVar:

ClinVar aggregate classification (germline): Pathogenic (1 of 4 stars; one submission).

Submission:

Labcorp Genetics (formerly Invitae), Labcorp
Classification: Pathogenic. Last evaluated: 2025-11-19. Review status: criteria provided, single submitter. Criteria: Invitae Variant Classification Sherloc (09022015). Collection method: clinical testing. Allele origin: germline.
Comment: This sequence change creates a premature translational stop signal (p.Ser157Ilefs*24) in the VPS13A gene. It is expected to result in an absent or disrupted protein product. Loss-of-function variants in VPS13A are known to be pathogenic (PMID: 12404112, 21598378). This variant is not present in population databases (gnomAD no frequency). This variant has not been reported in the literature in individuals affected with VPS13A-related conditions. For these reasons, this variant has been classified as Pathogenic.

Literature cited by the submitters: PubMed 12404112; PubMed 21598378.

NM_033305.3(VPS13A):c.470_476del (p.Ser157fs)

Gene: VPS13A (vacuolar protein sorting 13 homolog A; plus strand). Cytogenetic location: 9q21.2.
Variant type: Deletion.
Coding change: c.470_476del on transcript NM_033305.3 (MANE Select); coding-DNA positions 470 to 476, 7 bases deleted (GTATCCA; older notation c.470_476delGTATCCA).
Protein change: p.Ser157fs; shifts the reading frame from serine 157.
Molecular consequence: frameshift variant.
Genome position (GRCh38, 1-based): chr9:77,209,507-77,209,513, GTATCCA deleted; deleting any 7 consecutive bases within chr9:77,209,503-77,209,513 gives the same sequence; the c. name uses the placement nearest the transcript's 3' end. VCF-style (leftmost placement, unchanged base first): chr9-77209502-TTCCAGTA-T. GRCh37 (hg19) VCF-style: chr9-79824418-TTCCAGTA-T.
Other names: c.470_476del, p.Ser157fs (NM_001018037.2, NM_001018038.3, NM_015186.4); short protein forms S157fs.
Identifiers: ClinVar variation 4731444 (VCV004731444.1).
Genomic context (GRCh38, chr9:77,209,502, plus strand): 5'-ACAGGACACTTTTGCAGAAAAATTAGTTACACAGATCATAAAAAATCTTCAGGTGAAAAT[TTCCAGTA>T]TCCATATTCGTTATGAAGATGATGTAAGTATTTTAATATGTGATATTTGTTTTTATATTT-3'